The following is an entry in ClinVar:

NM_002907.4(RECQL):c.1291G>T (p.Val431Leu)

Gene: RECQL (RecQ like helicase; minus strand). Cytogenetic location: 12p12.1.
Variant type: single nucleotide variant.
Coding change: c.1291G>T on transcript NM_002907.4 (MANE Select); coding-DNA position 1291, G replaced by T.
Protein change: p.Val431Leu; replaces valine 431 with leucine.
Molecular consequence: missense variant.
Genome position (GRCh38, 1-based): chr12:21,474,905, C>A on the plus strand (G>T on the coding strand, the complement: RECQL is on the minus strand). VCF-style: chr12-21474905-C-A. GRCh37 (hg19) VCF-style: chr12-21627839-C-A.
Other names: c.1291G>T, p.Val431Leu (NM_032941.3); short protein forms V431L.
Identifiers: ClinVar variation 1769121 (VCV001769121.6), dbSNP rs1368453148, ClinGen allele CA384118466.

ClinVar aggregate classification (germline): Uncertain significance. Review status: criteria provided, multiple submitters, no conflicts (2 of 4 stars). 2 submissions from 2 submitters: Uncertain significance (2). Last evaluated 2025-06-30.

Allele frequency attached by ClinVar (database versions not stated): gnomAD exomes 0.00001.
gnomAD v4.1: 5 of 1,613,200 alleles (0.00031%); highest among the groups gnomAD compares: Non-Finnish European, 0.00042%; no homozygotes.

Submissions (2):

Ambry Genetics
Classification: Uncertain significance. Last evaluated: 2025-06-30. Review status: criteria provided, single submitter. Criteria: Ambry Variant Classification Scheme 2023. Collection method: clinical testing. Allele origin: germline.
Comment: The p.V431L variant (also known as c.1291G>T), located in coding exon 10 of the RECQL gene, results from a G to T substitution at nucleotide position 1291. The valine at codon 431 is replaced by leucine, an amino acid with highly similar properties. This amino acid position is conserved. In addition, this alteration is predicted to be tolerated by in silico analysis. Since supporting evidence is limited at this time, the clinical significance of this alteration remains unclear.

Labcorp Genetics (formerly Invitae), Labcorp
Classification: Uncertain significance. Last evaluated: 2023-01-30. Review status: criteria provided, single submitter. Criteria: Invitae Variant Classification Sherloc (09022015). Collection method: clinical testing. Allele origin: germline.
Comment: ClinVar contains an entry for this variant (Variation ID: 1769121). In summary, the available evidence is currently insufficient to determine the role of this variant in disease. Therefore, it has been classified as a Variant of Uncertain Significance. Advanced modeling of protein sequence and biophysical properties (such as structural, functional, and spatial information, amino acid conservation, physicochemical variation, residue mobility, and thermodynamic stability) performed at Invitae indicates that this missense variant is not expected to disrupt RECQL protein function. This variant has not been reported in the literature in individuals affected with RECQL-related conditions. This variant is present in population databases (no rsID available, gnomAD 0.0009%). This sequence change replaces valine, which is neutral and non-polar, with leucine, which is neutral and non-polar, at codon 431 of the RECQL protein (p.Val431Leu).